The following is an entry in ClinVar:

ClinVar aggregate classification (germline): Pathogenic (1 of 4 stars; one submission).

Submission:

Quest Diagnostics Nichols Institute San Juan Capistrano
Classification: Pathogenic. Last evaluated: 2025-07-12. Review status: criteria provided, single submitter. Criteria: Quest Diagnostics criteria. Collection method: clinical testing. Allele origin: unknown.
Comment: The VWF c.1682_1722dup (p.Arg575Thrfs*16) variant alters the translational reading frame of the VWF mRNA and causes the premature termination of VWF protein synthesis. This variant has been reported in the published literature along with other vWF pathogenic variants in individuals with type 3 von Willebrand Disease (PMIDs: 35343054 (2022) and 39088757 (2024)). This variant has not been reported in large, multi-ethnic general populations (Genome Aggregation Database). Based on the available information, this variant is classified as pathogenic.

Literature cited by the submitters: PubMed 35343054; PubMed 39088757.

NM_000552.5(VWF):c.1682_1722dup (p.Arg575fs)

Gene: VWF (von Willebrand factor; minus strand). Cytogenetic location: 12p13.31.
Variant type: Duplication.
Coding change: c.1682_1722dup on transcript NM_000552.5 (MANE Select); coding-DNA positions 1682 to 1722, 41 bases duplicated.
Protein change: p.Arg575fs; shifts the reading frame from arginine 575.
Molecular consequence: frameshift variant.
Genome position (GRCh38, 1-based): chr12:6,057,856-6,057,896, 41 bases duplicated; duplicating any 41 consecutive bases within chr12:6,057,856-6,057,897 gives the same sequence; the c. name uses the placement nearest the transcript's 3' end. GRCh37 (hg19): chr12:6,167,023-6,167,063.
Other names: short protein forms R575fs.
Identifiers: ClinVar variation 4532995 (VCV004532995.1).